The following is an entry in ClinVar:

ClinVar aggregate classification (germline): Benign (0 of 4 stars; one submission).

Conditions:
CRYL1-related disorder. Also called: CRYL1-related condition.

Allele frequency attached by ClinVar (database versions not stated): TOPMed 0.00005; gnomAD 0.00018; ExAC 0.00061; 1000 Genomes Project 30x 0.00187; 1000 Genomes Project 0.00220.
gnomAD v4.1: 432 of 1,613,716 alleles (0.027%); highest among the groups gnomAD compares: South Asian, 0.45%; 5 homozygotes.

Submission:

PreventionGenetics, part of Exact Sciences
Classification: Benign for CRYL1-related condition. Last evaluated: 2019-12-11. Review status: no assertion criteria provided. Collection method: clinical testing. Allele origin: germline.
Comment: This variant is classified as benign based on ACMG/AMP sequence variant interpretation guidelines (Richards et al. 2015 PMID: 25741868, with internal and published modifications).

NM_015974.3(CRYL1):c.400G>A (p.Gly134Ser)

Gene: CRYL1 (crystallin lambda 1; minus strand). Cytogenetic location: 13q12.11.
Variant type: single nucleotide variant.
Coding change: c.400G>A on transcript NM_015974.3 (MANE Select); coding-DNA position 400, G replaced by A.
Protein change: p.Gly134Ser; replaces glycine 134 with serine.
Molecular consequence: missense variant. On other transcripts: intron variant (1).
Genome position (GRCh38, 1-based): chr13:20,439,631, C>T on the plus strand (G>A on the coding strand, the complement: CRYL1 is on the minus strand). VCF-style: chr13-20439631-C-T. GRCh37 (hg19) VCF-style: chr13-21013770-C-T.
Other names: c.277-7335G>A (NM_001363647.2); short protein forms G134S.
Identifiers: ClinVar variation 3043106 (VCV003043106.2), dbSNP rs529923231, ClinGen allele CA6904770.